The following is an entry in ClinVar:

ClinVar aggregate classification (germline): Likely benign (1 of 4 stars; one submission).

gnomAD v4.1: 5 of 1,613,858 alleles (0.00031%); highest among the groups gnomAD compares: Admixed American, 0.0067%; no homozygotes.

Submission:

CeGaT Center for Human Genetics Tuebingen
Classification: Likely benign. Last evaluated: 2026-04-01. Review status: criteria provided, single submitter. Criteria: CeGaT Center For Human Genetics Tuebingen Variant Classification Criteria Version 2. Collection method: clinical testing. Allele origin: germline. Affected: yes. Observed: 1 variant allele.
Comment: MAP1B: BP4, BP7

NM_005909.5(MAP1B):c.3441C>T (p.Thr1147=)

Gene: MAP1B (microtubule associated protein 1B; plus strand). Cytogenetic location: 5q13.2.
Variant type: single nucleotide variant.
Coding change: c.3441C>T on transcript NM_005909.5 (MANE Select); coding-DNA position 3441, C replaced by T.
Protein change: p.Thr1147=; no amino-acid change (threonine 1147 retained).
Molecular consequence: synonymous variant.
Genome position (GRCh38, 1-based): chr5:72,196,796, C>T. VCF-style: chr5-72196796-C-T. GRCh37 (hg19) VCF-style: chr5-71492623-C-T.
Other names: c.3063C>T, p.Thr1021= (NM_001324255.2).
Identifiers: ClinVar variation 4873084 (VCV004873084.2).